The following is an entry in ClinVar:

ClinVar aggregate classification (germline): Pathogenic (1 of 4 stars; one submission).

Conditions:
Hereditary cancer-predisposing syndrome. Also called: Neoplastic Syndromes, Hereditary; Hereditary neoplastic syndrome; Hereditary Cancer Syndrome; Tumor predisposition. Identifiers: Orphanet 140162, MedGen C0027672, MeSH D009386, MONDO:0015356.

Submission:

Ambry Genetics
Classification: Pathogenic for Hereditary cancer-predisposing syndrome. Last evaluated: 2025-10-07. Review status: criteria provided, single submitter. Criteria: Ambry Variant Classification Scheme 2023. Collection method: clinical testing. Allele origin: germline.
Comment: The c.676_677delCT pathogenic mutation, located in coding exon 4 of the CHEK2 gene, results from a deletion of two nucleotides at nucleotide positions 676 to 677, causing a translational frameshift with a predicted alternate stop codon (p.L226Wfs*18). This variant is considered to be rare based on population cohorts in the Genome Aggregation Database (gnomAD). This alteration is expected to result in loss of function by premature protein truncation or nonsense-mediated mRNA decay. As such, this alteration is interpreted as a disease-causing mutation.

NM_007194.4(CHEK2):c.676_677del (p.Leu226fs)

Gene: CHEK2 (checkpoint kinase 2; minus strand). Cytogenetic location: 22q12.1.
Variant type: Microsatellite.
Coding change: c.676_677del on transcript NM_007194.4 (MANE Select); coding-DNA positions 676 to 677, 2 bases deleted (CT; older notation c.676_677delCT).
Protein change: p.Leu226fs; shifts the reading frame from leucine 226.
Molecular consequence: frameshift variant. On other transcripts: intron variant (1).
Genome position (GRCh38, 1-based): chr22:28,719,401-28,719,402, AG deleted on the plus strand (CT on the coding strand, the reverse complement: CHEK2 is on the minus strand); deleting any 2 consecutive bases within chr22:28,719,401-28,719,404 gives the same sequence; the c. name uses the placement nearest the transcript's 3' end. VCF-style (leftmost placement, unchanged base first): chr22-28719400-AAG-A. GRCh37 (hg19) VCF-style: chr22-29115388-AAG-A.
Other names: c.805_806del, p.Leu269fs (NM_001005735.3, NM_001438294.1); c.13_14del, p.Leu5fs (NM_001257387.3, NM_001437942.1); c.769_770del, p.Leu257fs (NM_001438293.1, NM_001438295.1); c.676_677del, p.Leu226fs (NM_145862.3); c.482+5484_482+5485del (NM_001349956.3); short protein forms L226fs, L269fs, L5fs, L257fs.
Identifiers: ClinVar variation 1810310 (VCV001810310.3), dbSNP rs2518008253, ClinGen allele CA2580615275.